The following is an entry in ClinVar:

ClinVar aggregate classification (germline): Benign/Likely benign. Review status: criteria provided, multiple submitters, no conflicts (2 of 4 stars). 4 submissions from 4 submitters: Benign (1); Likely benign (3). Last evaluated 2025-11-10.

Conditions:
Hereditary cancer-predisposing syndrome. Also called: Hereditary Cancer Syndrome; Neoplastic Syndromes, Hereditary; Tumor predisposition; Hereditary neoplastic syndrome. Identifiers: Orphanet 140162, MedGen C0027672, MeSH D009386, MONDO:0015356.
Papillary renal cell carcinoma type 1 (RCCP1). Also called: Renal adenocarcinoma; Renal cell carcinoma 1; Renal cell carcinoma, somatic; RENAL CELL CARCINOMA, PAPILLARY, 1, SOMATIC. Identifiers: Orphanet 47044, MedGen C1336839, OMIM 605074, HP:0011797.
Renal cell carcinoma. Identifiers: Orphanet 217071, MedGen C0007134, MeSH D002292, MONDO:0005086, HP:0005584.

gnomAD v4.1: 1 of 1,613,956 alleles (0.000062%); highest among the groups gnomAD compares: African/African-American, 0.0013%; no homozygotes.

Submissions (4):

Labcorp Genetics (formerly Invitae), Labcorp
Classification: Likely benign for Renal cell carcinoma. Last evaluated: 2025-11-10. Review status: criteria provided, single submitter. Criteria: Invitae Variant Classification Sherloc (09022015). Collection method: clinical testing. Allele origin: germline.

Myriad Genetics, Inc.
Classification: Benign for Papillary renal cell carcinoma type 1. Last evaluated: 2024-11-08. Review status: criteria provided, single submitter. Criteria: Myriad Autosomal Dominant, Autosomal Recessive and X-Linked Classification Criteria (2023). Collection method: clinical testing. Allele origin: unknown.
Comment: This variant is considered benign. This variant is a silent/synonymous amino acid change and it is not expected to impact splicing.

Ambry Genetics
Classification: Likely benign for Hereditary cancer-predisposing syndrome. Last evaluated: 2021-11-22. Review status: criteria provided, single submitter. Criteria: Ambry Variant Classification Scheme 2023. Collection method: clinical testing. Allele origin: germline.

GeneDx
Classification: Likely benign. Last evaluated: 2018-01-14. Review status: criteria provided, single submitter. Criteria: GeneDx Variant Classification (06012015). Collection method: clinical testing. Allele origin: germline. Affected: yes.
Comment: This variant is considered likely benign or benign based on one or more of the following criteria: it is a conservative change, it occurs at a poorly conserved position in the protein, it is predicted to be benign by multiple in silico algorithms, and/or has population frequency not consistent with disease.

NM_000245.4(MET):c.1719A>C (p.Ala573=)

Gene: MET (MET proto-oncogene, receptor tyrosine kinase; plus strand). Cytogenetic location: 7q31.2.
Variant type: single nucleotide variant.
Coding change: c.1719A>C on transcript NM_000245.4 (MANE Select); coding-DNA position 1719, A replaced by C.
Protein change: p.Ala573=; no amino-acid change (alanine 573 retained).
Molecular consequence: synonymous variant.
Genome position (GRCh38, 1-based): chr7:116,755,372, A>C. VCF-style: chr7-116755372-A-C. GRCh37 (hg19) VCF-style: chr7-116395426-A-C.
Other names: c.1719A>C, p.Ala573= (NM_001127500.3, NM_001324401.3); c.429A>C, p.Ala143= (NM_001324402.2).
Identifiers: ClinVar variation 514582 (VCV000514582.9), dbSNP rs199776656, ClinGen allele CA164891581.